The following is an entry in ClinVar:

NM_003924.4(PHOX2B):c.878_879delinsAG (p.Ser293Lys)

Gene: PHOX2B (paired like homeobox 2B; minus strand). Cytogenetic location: 4p13.
Variant type: Indel.
Coding change: c.878_879delinsAG on transcript NM_003924.4 (MANE Select); coding-DNA positions 878 to 879, GC replaced by AG.
Protein change: p.Ser293Lys; replaces serine 293 with lysine.
Molecular consequence: missense variant.
Genome position (GRCh38, 1-based): chr4:41,745,873-41,745,874, GC replaced by CT on the plus strand (GC replaced by AG on the coding strand, the reverse complement: PHOX2B is on the minus strand). VCF-style: chr4-41745873-GC-CT. GRCh37 (hg19) VCF-style: chr4-41747890-GC-CT.
Other names: short protein forms S293K.
Identifiers: ClinVar variation 4841578 (VCV004841578.1).

ClinVar aggregate classification (germline): Uncertain significance (1 of 4 stars; one submission).

Conditions:
Hereditary cancer-predisposing syndrome. Also called: Neoplastic Syndromes, Hereditary; Tumor predisposition; Hereditary Cancer Syndrome; Hereditary neoplastic syndrome. Identifiers: Orphanet 140162, MedGen C0027672, MeSH D009386, MONDO:0015356.

Submission:

Ambry Genetics
Classification: Uncertain significance for Hereditary cancer-predisposing syndrome. Last evaluated: 2025-12-30. Review status: criteria provided, single submitter. Criteria: Ambry Variant Classification Scheme 2023. Collection method: clinical testing. Allele origin: germline.
Comment: The c.878_879delGCinsAG variant (also known as p.S293K), located in coding exon 3 of the PHOX2B gene, results from an in-frame deletion of GC and insertion of AG at nucleotide positions 878 to 879. This results in the substitution of the serine residue for a lysine residue at codon 293, an amino acid with dissimilar properties. This amino acid position is well conserved in available vertebrate species. In addition, this variant is predicted to be neutral by in silico analysis (Choi Y et al. PLoS ONE. 2012; 7(10):e46688). Based on the available evidence, the clinical significance of this variant remains unclear.